The following is an entry in ClinVar:

NM_016366.3(CABP2):c.213+9G>A

Gene: CABP2 (calcium binding protein 2; minus strand). Cytogenetic location: 11q13.2.
Variant type: single nucleotide variant.
Coding change: c.213+9G>A on transcript NM_016366.3 (MANE Select); 9 bases into the intron after coding-DNA position 213, G replaced by A.
Molecular consequence: intron variant.
Genome position (GRCh38, 1-based): chr11:67,522,537, C>T on the plus strand (G>A on the coding strand, the complement: CABP2 is on the minus strand). VCF-style: chr11-67522537-C-T. GRCh37 (hg19) VCF-style: chr11-67290008-C-T.
Other names: c.231+5G>A (NM_001318496.1, NM_001318496.2).
Identifiers: ClinVar variation 1191039 (VCV001191039.6), dbSNP rs368921133, ClinGen allele CA6142567.

ClinVar aggregate classification (germline): Conflicting classifications of pathogenicity. Review status: criteria provided, conflicting classifications (1 of 4 stars). 3 submissions from 3 submitters: Uncertain significance (1); Likely benign (2). Last evaluated 2026-02-26.

Conditions:
CABP2-related disorder. Also called: CABP2-related condition.

Allele frequency attached by ClinVar (database versions not stated): ExAC 0.00014; gnomAD exomes 0.00014 and 0.00026; 1000 Genomes Project 30x 0.00016; TOPMed 0.00018; 1000 Genomes Project 0.00020; gnomAD 0.00021; ESP Exome Variant Server 0.00039.
gnomAD v4.1: 381 of 1,553,404 alleles (0.025%); highest among the groups gnomAD compares: Non-Finnish European, 0.031%; no homozygotes.

Submissions (3):

PreventionGenetics, part of Exact Sciences
Classification: Uncertain significance for CABP2-related condition. Last evaluated: 2026-02-26. Review status: criteria provided, single submitter. Criteria: ACMG Guidelines, 2015. Collection method: clinical testing. Allele origin: germline.
Comment: The CABP2 c.231+5G>A variant is predicted to interfere with splicing. This variant is predicted to alter splicing based on available splicing prediction software (SpliceAI, Jaganathan et al. 2019. PubMed ID: 30661751). However, the use of computer prediction software is not equivalent to functional evidence. To our knowledge, this variant has not been reported in the literature. This variant is reported in 0.025% of alleles in individuals of European (Non-Finnish) descent in gnomAD. At this time, the clinical significance of this variant is uncertain due to the absence of conclusive functional and genetic evidence.

Labcorp Genetics (formerly Invitae), Labcorp
Classification: Likely benign. Last evaluated: 2025-11-15. Review status: criteria provided, single submitter. Criteria: Invitae Variant Classification Sherloc (09022015). Collection method: clinical testing. Allele origin: germline.

GeneDx
Classification: Likely benign. Last evaluated: 2018-11-15. Review status: criteria provided, single submitter. Criteria: GeneDx Variant Classification Process June 2021. Collection method: clinical testing. Allele origin: germline. Affected: yes.